The following is an entry in ClinVar:

ClinVar aggregate classification (germline): Conflicting classifications of pathogenicity. Review status: criteria provided, conflicting classifications (1 of 4 stars). 2 submissions from 2 submitters: Likely pathogenic (1); Uncertain significance (1). Last evaluated 2020-10-19.

Conditions:
Adams-Oliver syndrome 5 (AOS5). Identifiers: Orphanet 974, MedGen C4014970, MONDO:0014459, OMIM 616028.

Submissions (2):

Victorian Clinical Genetics Services, Murdoch Childrens Research Institute
Classification: Likely pathogenic for Adams-Oliver syndrome 5. Last evaluated: 2020-10-19. Review status: criteria provided, single submitter. Criteria: ACMG Guidelines, 2015. Collection method: clinical testing. Allele origin: germline. Inheritance: Autosomal dominant inheritance. Affected: yes.
Comment: Based on the classification scheme VCGS_Germline_v1.3.3, this variant is classified as Likely Pathogenic. Following criteria are met: 0102 - Loss of function is a known mechanism of disease in this gene and is associated with Adams-Oliver syndrome (MIM#616028). (I) 0107 - This gene is associated with autosomal dominant disease. (I) 0205 - Variant is predicted to result in a truncated protein (premature termination codon is NOT located at least 54 nucleotides upstream of the final exon-exon junction) with less than 1/3 of the protein sequence affected. (SP) 0251 - This variant is heterozygous. (I) 0301 - Variant is absent from gnomAD (both v2 and v3). (SP) 0600 - Variant is truncates the annotated PEST domain (PMID:26820064). (I) 0704 - Another truncating variant comparable to the one identified in this case has limited previous evidence for pathogenicity. The downstream truncating variant p.(Ser2486Leufs*21) was identified in a family with congenital heart disease (PMID: 26820064). Other downstream truncating variants have been reported as VUS (ClinVar). (SP) 0807 - This variant has no previous evidence of pathogenicity. (I) 0905 - No published segregation evidence has been identified for this variant. (I) 1007 - No published functional evidence has been identified for this variant. (I) 1102 - Strong phenotype match for this individual. (SP) Legend: (SP) - Supporting pathogenic, (I) - Information, (SB) - Supporting benign

Revvity Omics, Revvity
Classification: Uncertain significance. Last evaluated: 2020-03-13. Review status: criteria provided, single submitter. Criteria: ACMG Guidelines, 2015. Collection method: clinical testing. Allele origin: germline.

Literature cited by the submitters: PubMed 26820064 (cited by Victorian Clinical Genetics Services, Murdoch Childrens Research Institute).

NM_017617.5(NOTCH1):c.6913_6916del (p.Asn2305fs)

Gene: NOTCH1 (notch receptor 1; minus strand). Cytogenetic location: 9q34.3.
Variant type: Deletion.
Coding change: c.6913_6916del on transcript NM_017617.5 (MANE Select); coding-DNA positions 6913 to 6916, 4 bases deleted (AATG; older notation c.6913_6916delAATG).
Protein change: p.Asn2305fs; shifts the reading frame from asparagine 2305.
Molecular consequence: frameshift variant.
Genome position (GRCh38, 1-based): chr9:136,496,823-136,496,826, CATT deleted on the plus strand (AATG on the coding strand, the reverse complement: NOTCH1 is on the minus strand); deleting any 4 consecutive bases within chr9:136,496,823-136,496,828 gives the same sequence; the c. name uses the placement nearest the transcript's 3' end. VCF-style (leftmost placement, unchanged base first): chr9-136496822-CCATT-C. GRCh37 (hg19) VCF-style: chr9-139391274-CCATT-C.
Other names: c.6913_6916delAATG (NM_017617.5); c.6913_6916del (NM_017617.3); short protein forms N2305fs.
Identifiers: ClinVar variation 1806379 (VCV001806379.2), dbSNP rs2540421459, ClinGen allele CA1139532812.